The following is an entry in ClinVar:

NM_000535.7(PMS2):c.2227C>A (p.Leu743Met)

Gene: PMS2 (PMS1 homolog 2, mismatch repair system component; minus strand). Cytogenetic location: 7p22.1.
Variant type: single nucleotide variant.
Coding change: c.2227C>A on transcript NM_000535.7 (MANE Select); coding-DNA position 2227, C replaced by A.
Protein change: p.Leu743Met; replaces leucine 743 with methionine.
Molecular consequence: missense variant. On other transcripts: non-coding transcript variant (1).
Genome position (GRCh38, 1-based): chr7:5,978,644, G>T on the plus strand (C>A on the coding strand, the complement: PMS2 is on the minus strand). VCF-style: chr7-5978644-G-T. GRCh37 (hg19) VCF-style: chr7-6018275-G-T.
Other names: c.1822C>A, p.Leu608Met (NM_001018040.1, NM_001322003.2, NM_001322004.2 and 15 more transcripts); c.2071C>A, p.Leu691Met (NM_001322006.2, NM_001406870.1); c.1909C>A, p.Leu637Met (NM_001322007.2, NM_001322008.2, NM_001406876.1 and 1 more transcripts); c.1666C>A, p.Leu556Met (NM_001322010.2, NM_001406906.1, NM_001406907.1); c.1294C>A, p.Leu432Met (NM_001322011.2, NM_001322012.2); c.1654C>A, p.Leu552Met (NM_001322013.2, NM_001406908.1, NM_001406909.1); c.2227C>A, p.Leu743Met (NM_001322014.2); c.1918C>A, p.Leu640Met (NM_001322015.2, NM_001406875.1, NM_001406877.1 and 5 more transcripts); and 14 more; short protein forms L552M, L556M, L687M, L743M, L608M, L631M, L677M, L432M.
Identifiers: ClinVar variation 1788012 (VCV001788012.2), dbSNP rs1583285770, ClinGen allele CA366736708.
Genomic context (GRCh38, chr7:5,978,644, plus strand): 5'-TTAATAACTTACCATTTTCATCGATAACAAAATCAAAGCCATTCTTTCTAAATATTTCCA[G>T]ATTTTCTATCAGAACAGCTTCATTAACAGCAGTTAAGTTGAGAGTCTGAGGTCTGAAAAA-3'
Protein context (NP_000526.2, residues 733-753): AVNEAVLIEN[Leu743Met]EIFRKNGFDF

ClinVar aggregate classification (germline): Uncertain significance (1 of 4 stars; one submission).

Conditions:
Hereditary cancer-predisposing syndrome. Also called: Neoplastic Syndromes, Hereditary; Tumor predisposition; Hereditary Cancer Syndrome; Hereditary neoplastic syndrome. Identifiers: Orphanet 140162, MedGen C0027672, MeSH D009386, MONDO:0015356.

Submission:

Ambry Genetics
Classification: Uncertain significance for Hereditary cancer-predisposing syndrome. Last evaluated: 2019-04-22. Review status: criteria provided, single submitter. Criteria: Ambry Variant Classification Scheme 2023. Collection method: clinical testing. Allele origin: germline.
Comment: The p.L743M variant (also known as c.2227C>A), located in coding exon 13 of the PMS2 gene, results from a C to A substitution at nucleotide position 2227. The leucine at codon 743 is replaced by methionine, an amino acid with highly similar properties. This amino acid position is well conserved in available vertebrate species. In addition, this alteration is predicted to be tolerated by in silico analysis. Since supporting evidence is limited at this time, the clinical significance of this alteration remains unclear.